The following is an entry in ClinVar:

ClinVar aggregate classification (germline): Likely benign. Review status: criteria provided, multiple submitters, no conflicts (2 of 4 stars). 3 submissions from 3 submitters: Likely benign (2). 1 of the submissions does not count toward it. Last evaluated 2025-09-25.

Conditions:
PRKG1-related disorder. Also called: PRKG1-related condition.
Aortic aneurysm, familial thoracic 8 (AAT8). Identifiers: MedGen C3809513, MONDO:0014187, OMIM 615436.

Allele frequency attached by ClinVar (database versions not stated): gnomAD exomes below 0.00001 and 0.00001; ExAC 0.00001; gnomAD 0.00001.
gnomAD v4.1: 9 of 1,600,608 alleles (0.00056%); highest among the groups gnomAD compares: Non-Finnish European, 0.00077%; no homozygotes.

Submissions (3):

Labcorp Genetics (formerly Invitae), Labcorp
Classification: Likely benign for Aortic aneurysm, familial thoracic 8. Last evaluated: 2025-09-25. Review status: criteria provided, single submitter. Criteria: Invitae Variant Classification Sherloc (09022015). Collection method: clinical testing. Allele origin: germline.

Women's Health and Genetics/Laboratory Corporation of America, LabCorp
Classification: Likely benign. Last evaluated: 2025-04-28. Review status: criteria provided, single submitter. Criteria: LabCorp Variant Classification Summary - May 2015. Collection method: clinical testing. Allele origin: germline.

PreventionGenetics, part of Exact Sciences
Classification: Likely benign for PRKG1-related condition. Last evaluated: 2019-10-28. Review status: no assertion criteria provided. Collection method: clinical testing. Allele origin: germline. Not counted in ClinVar's aggregate classification.
Comment: This variant is classified as likely benign based on ACMG/AMP sequence variant interpretation guidelines (Richards et al. 2015 PMID: 25741868, with internal and published modifications).

NM_006258.4(PRKG1):c.479-8C>T

Gene: PRKG1 (protein kinase cGMP-dependent 1; plus strand). Cytogenetic location: 10q21.1.
Variant type: single nucleotide variant.
Coding change: c.479-8C>T on transcript NM_006258.4 (MANE Select); 8 bases into the intron before coding-DNA position 479, C replaced by T.
Molecular consequence: intron variant.
Genome position (GRCh38, 1-based): chr10:51,467,715, C>T. VCF-style: chr10-51467715-C-T. GRCh37 (hg19) VCF-style: chr10-53227475-C-T.
Other names: c.434-8C>T (NM_001098512.3); c.479-8C>T (NM_001374782.1, NM_006258.3).
Identifiers: ClinVar variation 1502323 (VCV001502323.12), dbSNP rs749159461, ClinGen allele CA5503164.